The following is an entry in ClinVar:

ClinVar aggregate classification (germline): Likely pathogenic (1 of 4 stars; one submission).

Conditions:
Intellectual developmental disorder, autosomal dominant 50, with behavioral abnormalities. Also called: MENTAL RETARDATION, AUTOSOMAL DOMINANT 50; Intellectual disability, autosomal dominant 50. Identifiers: MedGen C4540470, MONDO:0030916, OMIM 617787.

Submission:

3billion
Classification: Likely pathogenic for Intellectual developmental disorder, autosomal dominant 50, with behavioral abnormalities. Last evaluated: 2025-12-01. Review status: criteria provided, single submitter. Criteria: ACMG Guidelines, 2015. Collection method: clinical testing. Allele origin: germline. Affected: yes.
Comment: The variant is not observed in the gnomAD v4.1.0 dataset. Predicted Consequence/Location: Stop-gained (nonsense): predicted to result in a loss or disruption of normal protein function through nonsense-mediated decay (NMD) or protein truncation. Multiple pathogenic variants are reported downstream of the variant. Therefore, this variant is classified as Likely pathogenic according to the recommendation of ACMG/AMP guideline.

NM_057175.5(NAA15):c.211A>T (p.Arg71Ter)

Gene: NAA15 (N-alpha-acetyltransferase 15, NatA auxiliary subunit; plus strand). Cytogenetic location: 4q31.1.
Variant type: single nucleotide variant.
Coding change: c.211A>T on transcript NM_057175.5 (MANE Select); coding-DNA position 211, A replaced by T.
Protein change: p.Arg71Ter; replaces arginine 71 with a stop codon.
Molecular consequence: nonsense.
Genome position (GRCh38, 1-based): chr4:139,336,919, A>T. VCF-style: chr4-139336919-A-T. GRCh37 (hg19) VCF-style: chr4-140258073-A-T.
Other names: c.211A>T, p.Arg71Ter (NM_001410842.1); short protein forms R71*.
Identifiers: ClinVar variation 4854375 (VCV004854375.1).
Genomic context (GRCh38, chr4:139,336,919, plus strand): 5'-ATGAAAGGATTAACATTGAACTGTTTGGGGAAAAAGGAAGAAGCTTATGAATTGGTTCGT[A>T]GAGGTTTGAGAAATGACTTGAAGAGTCATGTGTGTATCCTTTTTGAGATATATTTAAGGT-3'